The following is an entry in ClinVar:

NM_213599.3(ANO5):c.294G>A (p.Ala98=)

Gene: ANO5 (anoctamin 5; plus strand). Cytogenetic location: 11p14.3.
Variant type: single nucleotide variant.
Coding change: c.294G>A on transcript NM_213599.3 (MANE Select); coding-DNA position 294, G replaced by A.
Protein change: p.Ala98=; no amino-acid change (alanine 98 retained).
Molecular consequence: synonymous variant.
Genome position (GRCh38, 1-based): chr11:22,221,210, G>A. VCF-style: chr11-22221210-G-A. GRCh37 (hg19) VCF-style: chr11-22242756-G-A.
Other names: p.Ala98=; c.291G>A, p.Ala97= (NM_001142649.2).
Identifiers: ClinVar variation 197907 (VCV000197907.66), dbSNP rs142858990, ClinGen allele CA246289.
Genomic context (GRCh38, chr11:22,221,210, plus strand): 5'-GCAAATTGATTTTGTGCTTTCCTACGTTGATGATGTAAAGAAAGACGCAGAGTTAAAGGC[G>A]GTAAGTGCATTATAACAGAAGTGGGAATAATAAAAAGAAGCACATTTTATAATTTCACAT-3'
Protein context (NP_998764.1, residues 88-108): DDVKKDAELK[Ala98=]ERRKEFETNL

ClinVar aggregate classification (germline): Conflicting classifications of pathogenicity. Review status: criteria provided, conflicting classifications (1 of 4 stars). 9 submissions from 9 submitters: Uncertain significance (4); Likely benign (5). Last evaluated 2026-08-01.

Conditions:
Autosomal recessive limb-girdle muscular dystrophy type 2L (LGMDR12). Also called: Limb-girdle muscular dystrophy, type 2L; Limb-Girdle Muscular Dystrophy R12 Anoctamin-5-Related (LGMD-R12); MUSCULAR DYSTROPHY, LIMB-GIRDLE, AUTOSOMAL RECESSIVE 12. Identifiers: Orphanet 206549, MedGen C1969785, MONDO:0012652, OMIM 611307.
Gnathodiaphyseal dysplasia (GDD). Also called: GNATHODIAPHYSEAL SCLEROSIS; OSTEOGENESIS IMPERFECTA WITH UNUSUAL SKELETAL LESIONS. Identifiers: Orphanet 53697, MedGen C1833736, MONDO:0008151, OMIM 166260.
ANO5-Related Muscle Diseases. Identifiers: MedGen CN180644.

Allele frequency attached by ClinVar (database versions not stated): ESP Exome Variant Server 0.00062; gnomAD 0.00062 and 0.00065; ExAC 0.00065; gnomAD exomes 0.00068 and 0.00069; TOPMed 0.00071.

Submissions (10):

CeGaT Center for Human Genetics Tuebingen
Classification: Likely benign. Last evaluated: 2026-08-01. Review status: criteria provided, single submitter. Criteria: CeGaT Center For Human Genetics Tuebingen Variant Classification Criteria Version 2. Collection method: clinical testing. Allele origin: germline. Affected: yes. Observed: 7 variant alleles.
Comment: ANO5: BP4, BP7

Labcorp Genetics (formerly Invitae), Labcorp
Classification: Likely benign for Autosomal recessive limb-girdle muscular dystrophy type 2L; Gnathodiaphyseal dysplasia. Last evaluated: 2026-01-28. Review status: criteria provided, single submitter. Criteria: Invitae Variant Classification Sherloc (09022015). Collection method: clinical testing. Allele origin: germline.

Mayo Clinic Laboratories, Mayo Clinic
Classification: Likely benign. Last evaluated: 2025-10-24. Review status: criteria provided, single submitter. Criteria: ACMG Guidelines, 2015. Collection method: clinical testing. Allele origin: germline. Observed: 2 variant alleles.
Comment: BS1, BP4, BP7

Revvity Omics, Revvity
Classification: Likely benign. Last evaluated: 2025-03-25. Review status: criteria provided, single submitter. Criteria: ACMG Guidelines, 2015. Collection method: clinical testing. Allele origin: germline.

Blueprint Genetics
Classification: Likely benign. Last evaluated: 2024-11-26. Review status: criteria provided, single submitter. Criteria: ACMG Guidelines, 2015. Collection method: clinical testing. Allele origin: germline.

Athena Diagnostics
Classification: Uncertain significance. Last evaluated: 2022-10-27. Review status: criteria provided, single submitter. Criteria: Athena Diagnostics Criteria. Collection method: clinical testing. Allele origin: unknown.
Comment: Available data are insufficient to determine the clinical significance of the variant at this time. The frequency of this variant in the general population is higher than would generally be expected for pathogenic variants in this gene. Computational tools yielded inconclusive predictions regarding the effect of this variant on RNA splicing.

GeneDx
Classification: Uncertain significance. Last evaluated: 2020-10-26. Review status: criteria provided, single submitter. Criteria: GeneDx Variant Classification Process June 2021. Collection method: clinical testing. Allele origin: germline. Affected: yes.
Comment: Functional studies indicate variant results in the in-frame loss of exons 4 and 5; however, control cells in this study also lacked exon 4 (Savarese et al., 2015); In-silico analysis, which includes splice predictors and evolutionary conservation, is inconclusive as to whether the variant alters gene splicing. In the absence of RNA/functional studies, the actual effect of this sequence change is unknown.; This variant is associated with the following publications: (PMID: 25891276, 33023636)

Illumina Laboratory Services, Illumina
Classification: Uncertain significance for ANO5-Related Muscle Diseases. Last evaluated: 2017-04-27. Review status: criteria provided, single submitter. Criteria: ICSL Variant Classification Criteria 13 December 2019. Collection method: clinical testing. Allele origin: germline.

Eurofins Ntd Llc (ga)
Classification: Uncertain significance. Last evaluated: 2016-10-18. Review status: criteria provided, single submitter. Criteria: EGL Classification Definitions 2015. Collection method: clinical testing. Allele origin: germline. Observed: 15 variant alleles, 13 heterozygotes.

Dr. Peter K. Rogan Lab, Western University
No classification provided (evidence only). Condition: Clear cell carcinoma of kidney. Review status: no classification provided. Collection method: in vitro. Allele origin: not applicable. Functional consequence: retained intron. Not counted in ClinVar's aggregate classification.

Literature cited by the submitters: PubMed 33023636 (cited by Mayo Clinic Laboratories, Mayo Clinic); PubMed 39678382 (cited by Mayo Clinic Laboratories, Mayo Clinic); PubMed 33400223 (cited by Athena Diagnostics); PubMed 25891276 (cited by Athena Diagnostics).